The following is an entry in ClinVar:

NM_003036.4(SKI):c.606G>C (p.Glu202Asp)

Gene: SKI (SKI proto-oncogene; plus strand). Cytogenetic location: 1p36.33.
Variant type: single nucleotide variant.
Coding change: c.606G>C on transcript NM_003036.4 (MANE Select); coding-DNA position 606, G replaced by C.
Protein change: p.Glu202Asp; replaces glutamic acid 202 with aspartic acid.
Molecular consequence: missense variant.
Genome position (GRCh38, 1-based): chr1:2,229,372, G>C. VCF-style: chr1-2229372-G-C. GRCh37 (hg19) VCF-style: chr1-2160811-G-C.
Other names: short protein forms E202D.
Identifiers: ClinVar variation 3381709 (VCV003381709.1).

ClinVar aggregate classification (germline): Uncertain significance (1 of 4 stars; one submission).

Submission:

GeneDx
Classification: Uncertain significance. Last evaluated: 2024-05-24. Review status: criteria provided, single submitter. Criteria: GeneDx Variant Classification Process June 2021. Collection method: clinical testing. Allele origin: germline. Affected: yes.
Comment: Not observed at significant frequency in large population cohorts (gnomAD); In silico analysis indicates that this missense variant does not alter protein structure/function; Has not been previously published as pathogenic or benign to our knowledge